The following is an entry in ClinVar:

ClinVar aggregate classification (germline): Pathogenic. Review status: reviewed by expert panel (3 of 4 stars). 2 submissions from 2 submitters: Pathogenic (1). 1 of the submissions does not count toward it. Last evaluated 2025-05-02.

Conditions:
Hereditary thrombocytopenia and hematologic cancer predisposition syndrome. Identifiers: Orphanet 71290, MedGen CN281654, MONDO:0011071.
Hereditary thrombocytopenia and hematological cancer predisposition syndrome associated with RUNX1. Also called: Familial Platelet Disorder with Propensity to Acute Myelogenous Leukemia; Familial thrombocytopenia with propensity to acute myelogenous leukemia; PLATELET DISORDER, ASPIRIN-LIKE; RUNX1 Familial Platelet Disorder with Associated Myeloid Malignancies. Identifiers: Orphanet 71290, MedGen C1832388, MeSH C563324, MONDO:0100083, OMIM 601399.

Submissions (2):

ClinGen Myeloid Malignancy Variant Curation Expert Panel
Classification: Pathogenic for Hereditary thrombocytopenia and hematologic cancer predisposition syndrome. Last evaluated: 2025-05-02. Review status: reviewed by expert panel. Criteria: ClinGen MyeloMalig ACMG Specifications v2. Collection method: curation. Allele origin: germline. Inheritance: Autosomal dominant inheritance.
Comment: NM_001754.5(RUNX1):c.191_192insA (p.Ala65fs) is a frameshift variant which is predicted to undergo nonsense-mediated decay in a gene in which loss-of-function is an established mechanism (frameshift (+) c.98–c.779 as per VCEP specifications) (PVS1). This variant is completely absent from all population databases with at least 20x coverage for RUNX1 (PM2_Supporting). This variant is downstream of c.98 (PM5_Supporting). In summary, this variant meets criteria to be classified as pathogenic. ACMG/AMP criteria applied, as specified by the Myeloid Malignancy Variant Curation Expert Panel for RUNX1: PVS1, PM2_Supporting, PM5_Supporting.

Labcorp Genetics (formerly Invitae), Labcorp
Classification: Pathogenic for Hereditary thrombocytopenia and hematological cancer predisposition syndrome associated with RUNX1. Last evaluated: 2024-05-28. Review status: criteria provided, single submitter. Criteria: Invitae Variant Classification Sherloc (09022015). Collection method: clinical testing. Allele origin: germline. Not counted in ClinVar's aggregate classification.
Comment: This sequence change creates a premature translational stop signal (p.Ala65Argfs*73) in the RUNX1 gene. It is expected to result in an absent or disrupted protein product. Loss-of-function variants in RUNX1 are known to be pathogenic (PMID: 18723428, 24100448). This variant is not present in population databases (gnomAD no frequency). This variant has not been reported in the literature in individuals affected with RUNX1-related conditions. For these reasons, this variant has been classified as Pathogenic.

Literature cited by the submitters: PubMed 18723428 (cited by Labcorp Genetics (formerly Invitae), Labcorp); PubMed 24100448 (cited by Labcorp Genetics (formerly Invitae), Labcorp).

NM_001754.5(RUNX1):c.191_192insA (p.Ala65fs)

Gene: RUNX1 (RUNX family transcription factor 1; minus strand). Cytogenetic location: 21q22.12.
Variant type: Insertion.
Coding change: c.191_192insA on transcript NM_001754.5 (MANE Select); coding-DNA positions 191 to 192, A inserted.
Protein change: p.Ala65fs; shifts the reading frame from alanine 65.
Molecular consequence: frameshift variant.
Genome position: GRCh38 VCF-style: chr21-34887002-G-GT. GRCh37 (hg19) VCF-style: chr21-36259299-G-GT.
Other names: NM_001754.5(RUNX1):c.191_192insA; p.Ala65fs; c.110_111insA, p.Ala38fs (NM_001001890.3, NM_001122607.2); short protein forms A65fs, A38fs.
Identifiers: ClinVar variation 3653535 (VCV003653535.3).